The following is an entry in ClinVar:

NM_001457.4(FLNB):c.6245-5T>C

Gene: FLNB (filamin B; plus strand). Cytogenetic location: 3p14.3.
Variant type: single nucleotide variant.
Coding change: c.6245-5T>C on transcript NM_001457.4 (MANE Select); 5 bases into the intron before coding-DNA position 6245, T replaced by C.
Molecular consequence: intron variant.
Genome position (GRCh38, 1-based): chr3:58,150,100, T>C. VCF-style: chr3-58150100-T-C. GRCh37 (hg19) VCF-style: chr3-58135827-T-C.
Other names: c.6338-5T>C (NM_001164317.2); c.6212-5T>C (NM_001164318.2); c.6173-5T>C (NM_001164319.2).
Identifiers: ClinVar variation 1532472 (VCV001532472.9), dbSNP rs1350216610, ClinGen allele CA543532157.

ClinVar aggregate classification (germline): Conflicting classifications of pathogenicity. Review status: criteria provided, conflicting classifications (1 of 4 stars). 2 submissions from 2 submitters: Uncertain significance (1); Likely benign (1). Last evaluated 2025-01-25.

Allele frequency attached by ClinVar (database versions not stated): gnomAD exomes below 0.00001 and 0.00001; TOPMed 0.00001.
gnomAD v4.1: 5 of 1,614,262 alleles (0.00031%); highest among the groups gnomAD compares: Admixed American, 0.0083%; no homozygotes.

Submissions (2):

Labcorp Genetics (formerly Invitae), Labcorp
Classification: Likely benign. Last evaluated: 2025-01-25. Review status: criteria provided, single submitter. Criteria: Invitae Variant Classification Sherloc (09022015). Collection method: clinical testing. Allele origin: germline.

GeneDx
Classification: Uncertain significance. Last evaluated: 2024-09-11. Review status: criteria provided, single submitter. Criteria: GeneDx Variant Classification Process June 2021. Collection method: clinical testing. Allele origin: germline. Affected: yes.
Comment: In silico analysis suggests this variant may impact gene splicing. In the absence of RNA/functional studies, the actual effect of this sequence change is unknown.; Has not been previously published as pathogenic or benign to our knowledge